The following is an entry in ClinVar:

ClinVar aggregate classification (germline): Uncertain significance. Review status: criteria provided, multiple submitters, no conflicts (2 of 4 stars). 3 submissions from 3 submitters: Uncertain significance (3). Last evaluated 2026-01-18.

Conditions:
FOCAD-related disorder. Also called: FOCAD-related condition.
Inborn genetic diseases. Identifiers: MedGen C0950123, MeSH D030342.

Allele frequency attached by ClinVar (database versions not stated): gnomAD exomes 0.00001; ExAC 0.00002; gnomAD 0.00013; 1000 Genomes Project 30x 0.00016; 1000 Genomes Project 0.00020; TOPMed 0.00038.
gnomAD v4.1: 35 of 1,614,102 alleles (0.0022%); highest among the groups gnomAD compares: Admixed American, 0.043%; no homozygotes.

Submissions (3):

Labcorp Genetics (formerly Invitae), Labcorp
Classification: Uncertain significance. Last evaluated: 2026-01-18. Review status: criteria provided, single submitter. Criteria: Invitae Variant Classification Sherloc (09022015). Collection method: clinical testing. Allele origin: germline.
Comment: This sequence change replaces serine, which is neutral and polar, with asparagine, which is neutral and polar, at codon 1153 of the FOCAD protein (p.Ser1153Asn). This variant is present in population databases (rs566568108, gnomAD 0.01%). This variant has not been reported in the literature in individuals affected with FOCAD-related conditions. ClinVar contains an entry for this variant (Variation ID: 2536831). Experimental studies and prediction algorithms are not available or were not evaluated, and the functional significance of this variant is currently unknown. In summary, the available evidence is currently insufficient to determine the role of this variant in disease. Therefore, it has been classified as a Variant of Uncertain Significance.

Ambry Genetics
Classification: Uncertain significance for Inborn genetic diseases. Last evaluated: 2025-04-17. Review status: criteria provided, single submitter. Criteria: Ambry Variant Classification Scheme 2023. Collection method: clinical testing. Allele origin: germline.

PreventionGenetics, part of Exact Sciences
Classification: Uncertain significance for FOCAD-related condition. Last evaluated: 2025-04-12. Review status: criteria provided, single submitter. Criteria: ACMG Guidelines, 2015. Collection method: clinical testing. Allele origin: germline.
Comment: The FOCAD c.3458G>A variant is predicted to result in the amino acid substitution p.Ser1153Asn. To our knowledge, this variant has not been reported in the literature. This variant is reported in 0.012% of alleles in individuals of Latino descent in gnomAD and is interpreted as uncertain in ClinVar. At this time, the clinical significance of this variant is uncertain due to the absence of conclusive functional and genetic evidence.

NM_001375567.1(FOCAD):c.3458G>A (p.Ser1153Asn)

Gene: FOCAD (focadhesin; plus strand). Cytogenetic location: 9p21.3.
Variant type: single nucleotide variant.
Coding change: c.3458G>A on transcript NM_001375567.1 (MANE Select); coding-DNA position 3458, G replaced by A.
Protein change: p.Ser1153Asn; replaces serine 1153 with asparagine.
Molecular consequence: missense variant.
Genome position (GRCh38, 1-based): chr9:20,944,677, G>A. VCF-style: chr9-20944677-G-A. GRCh37 (hg19) VCF-style: chr9-20944676-G-A.
Other names: c.3353G>A, p.Ser1118Asn (NM_001375568.1, NM_001375570.1); c.3458G>A, p.Ser1153Asn (NM_017794.5); c.3458G>A (NM_017794.4); short protein forms S1118N, S1153N.
Identifiers: ClinVar variation 2536831 (VCV002536831.6), dbSNP rs566568108, ClinGen allele CA5007558.